The following is an entry in ClinVar:

NM_147127.5(EVC2):c.2857G>A (p.Val953Met)

Gene: EVC2 (EvC ciliary complex subunit 2; minus strand). Cytogenetic location: 4p16.2.
Variant type: single nucleotide variant.
Coding change: c.2857G>A on transcript NM_147127.5 (MANE Select); coding-DNA position 2857, G replaced by A.
Protein change: p.Val953Met; replaces valine 953 with methionine.
Molecular consequence: missense variant.
Genome position (GRCh38, 1-based): chr4:5,584,823, C>T on the plus strand (G>A on the coding strand, the complement: EVC2 is on the minus strand). VCF-style: chr4-5584823-C-T. GRCh37 (hg19) VCF-style: chr4-5586550-C-T.
Other names: c.2617G>A, p.Val873Met (NM_001166136.2); short protein forms V873M, V953M.
Identifiers: ClinVar variation 4792669 (VCV004792669.1).

ClinVar aggregate classification (germline): Uncertain significance (1 of 4 stars; one submission).

Conditions:
Ellis-van Creveld syndrome (EVC). Also called: EVC-Related Ellis-van Creveld Syndrome; EVC2-Related Ellis-van Creveld Syndrome; MESOECTODERMAL DYSPLASIA; Chondroectodermal dysplasia. Identifiers: Orphanet 289, MedGen C0013903, MONDO:0009162, OMIM 225500.
Curry-Hall syndrome (WAD). Also called: WEYERS ACRODENTAL DYSOSTOSIS. Identifiers: Orphanet 952, MedGen C0457013, MONDO:0008673, OMIM 193530.

gnomAD v4.1: 19 of 1,614,224 alleles (0.0012%); highest among the groups gnomAD compares: Non-Finnish European, 0.0016%; no homozygotes.

Submission:

Labcorp Genetics (formerly Invitae), Labcorp
Classification: Uncertain significance for Curry-Hall syndrome; Ellis-van Creveld syndrome. Last evaluated: 2025-08-24. Review status: criteria provided, single submitter. Criteria: Invitae Variant Classification Sherloc (09022015). Collection method: clinical testing. Allele origin: germline.
Comment: This sequence change replaces valine, which is neutral and non-polar, with methionine, which is neutral and non-polar, at codon 953 of the EVC2 protein (p.Val953Met). This variant is present in population databases (no rsID available, gnomAD 0.0009%). This variant has not been reported in the literature in individuals affected with EVC2-related conditions. An algorithm developed to predict the effect of missense changes on protein structure and function (PolyPhen-2) suggests that this variant is likely to be tolerated. In summary, the available evidence is currently insufficient to determine the role of this variant in disease. Therefore, it has been classified as a Variant of Uncertain Significance.